The following is an entry in ClinVar:

NM_199420.4(POLQ):c.2180A>T (p.Asp727Val)

Gene: POLQ (DNA polymerase theta; minus strand). Cytogenetic location: 3q13.33.
Variant type: single nucleotide variant.
Coding change: c.2180A>T on transcript NM_199420.4 (MANE Select); coding-DNA position 2180, A replaced by T.
Protein change: p.Asp727Val; replaces aspartic acid 727 with valine.
Molecular consequence: missense variant.
Genome position (GRCh38, 1-based): chr3:121,496,906, T>A on the plus strand (A>T on the coding strand, the complement: POLQ is on the minus strand). VCF-style: chr3-121496906-T-A. GRCh37 (hg19) VCF-style: chr3-121215753-T-A.
Other names: short protein forms D727V.
Identifiers: ClinVar variation 2448848 (VCV002448848.2), dbSNP rs2546793727, ClinGen allele CA354109341.

ClinVar aggregate classification (germline): Uncertain significance (1 of 4 stars; one submission).

Submission:

Ambry Genetics
Classification: Uncertain significance. Last evaluated: 2023-01-04. Review status: criteria provided, single submitter. Criteria: Ambry Variant Classification Scheme 2023. Collection method: clinical testing. Allele origin: germline.
Comment: The p.D727V variant (also known as c.2180A>T), located in coding exon 14 of the POLQ gene, results from an A to T substitution at nucleotide position 2180. The aspartic acid at codon 727 is replaced by valine, an amino acid with highly dissimilar properties. This amino acid position is conserved. In addition, the in silico prediction for this alteration is inconclusive. Since supporting evidence is limited at this time, the clinical significance of this alteration remains unclear.